The following is an entry in ClinVar:

NM_001110556.2(FLNA):c.5170G>T (p.Val1724Leu)

Gene: FLNA (filamin A; minus strand). Cytogenetic location: Xq28.
Variant type: single nucleotide variant.
Coding change: c.5170G>T on transcript NM_001110556.2 (MANE Select); coding-DNA position 5170, G replaced by T.
Protein change: p.Val1724Leu; replaces valine 1724 with leucine.
Molecular consequence: missense variant.
Genome position (GRCh38, 1-based): chrX:154,354,872, C>A on the plus strand (G>T on the coding strand, the complement: FLNA is on the minus strand). VCF-style: chrX-154354872-C-A. GRCh37 (hg19) VCF-style: chrX-153583240-C-A.
Other names: c.5146G>T, p.Val1716Leu (NM_001456.4); short protein forms V1716L, V1724L.
Identifiers: ClinVar variation 2412923 (VCV002412923.3), dbSNP rs2148107395, ClinGen allele CA415207387.
Genomic context (GRCh38, chrX:154,354,872, plus strand): 5'-CACCCCTCCTCACCGTCACTTGGAAGGGGCTGTTGGGCACGTGCTCGCCACCAAAGCGCA[C>A]ACAGATGACGTATTTGCCCGGCTGGGGGGCCGTGTAGAAGATGTCGAAAGTGCCGTCCTC-3'
Protein context (NP_001104026.1, residues 1714-1734): APQPGKYVIC[Val1724Leu]RFGGEHVPNS

ClinVar aggregate classification (germline): Uncertain significance (1 of 4 stars; one submission).

Submission:

GeneDx
Classification: Uncertain significance. Last evaluated: 2022-07-25. Review status: criteria provided, single submitter. Criteria: GeneDx Variant Classification Process June 2021. Collection method: clinical testing. Allele origin: germline. Affected: yes.
Comment: Not observed at significant frequency in large population cohorts (gnomAD); In silico analysis supports that this missense variant does not alter protein structure/function; Has not been previously published as pathogenic or benign to our knowledge